The following is an entry in ClinVar:

ClinVar aggregate classification (germline): Uncertain significance (1 of 4 stars; one submission).

Conditions:
Brugada syndrome 4 (BRGDA4). Identifiers: Orphanet 130, MedGen C2678477, MONDO:0012743, OMIM 611876.

Submission:

Labcorp Genetics (formerly Invitae), Labcorp
Classification: Uncertain significance for Brugada syndrome 4. Last evaluated: 2020-03-22. Review status: criteria provided, single submitter. Criteria: Invitae Variant Classification Sherloc (09022015). Collection method: clinical testing. Allele origin: germline.
Comment: This variant, c.1660_1671dup, results in the insertion of 4 amino acid(s) to the CACNB2 protein (p.Arg554_Asp557dup), but otherwise preserves the integrity of the reading frame. This variant is not present in population databases (ExAC no frequency). In summary, the available evidence is currently insufficient to determine the role of this variant in disease. Therefore, it has been classified as a Variant of Uncertain Significance. Experimental studies and prediction algorithms are not available or were not evaluated, and the functional significance of this variant is currently unknown. This variant has not been reported in the literature in individuals with CACNB2-related conditions.

NM_201596.3(CACNB2):c.1822_1833dup (p.Arg608_Asp611dup)

Gene: CACNB2 (calcium voltage-gated channel auxiliary subunit beta 2; plus strand). Cytogenetic location: 10p12.31.
Variant type: Duplication.
Coding change: c.1822_1833dup on transcript NM_201596.3 (MANE Select); coding-DNA positions 1822 to 1833, 12 bases duplicated (CGTTCCCGGGAC).
Protein change: p.Arg608_Asp611dup.
Molecular consequence: inframe insertion.
Genome position (GRCh38, 1-based): chr10:18,539,563-18,539,574, CGTTCCCGGGAC duplicated; duplicating any 12 consecutive bases within chr10:18,539,561-18,539,574 gives the same sequence; the c. name uses the placement nearest the transcript's 3' end. VCF-style (leftmost placement, unchanged base first): chr10-18539560-C-CACCGTTCCCGGG. GRCh37 (hg19) VCF-style: chr10-18828489-C-CACCGTTCCCGGG.
Other names: c.1657_1668dup, p.Arg553_Asp556dup (NM_000724.4); c.1624_1635dup, p.Arg542_Asp545dup (NM_001167945.2); c.1543_1554dup, p.Arg515_Asp518dup (NM_001330060.2); c.1678_1689dup, p.Arg560_Asp563dup (NM_201570.3); c.1738_1749dup, p.Arg580_Asp583dup (NM_201571.4); c.1666_1677dup, p.Arg556_Asp559dup (NM_201572.4); c.1660_1671dup, p.Arg554_Asp557dup (NM_201590.3); c.1708_1719dup, p.Arg570_Asp573dup (NM_201593.3); and 1 more.
Identifiers: ClinVar variation 1007826 (VCV001007826.8), dbSNP rs2053942119, ClinGen allele CA1894173849.
Genomic context (GRCh38, chr10:18,539,560, plus strand): 5'-GACCACAACCACAGAGACGAGACCCACGGGAGCAGTGACCACAGACACAGGGAGTCCCGG[C>CACCGTTCCCGGG]ACCGTTCCCGGGACGTGGATCGAGAGCAGGACCACAACGAGTGCAACAAGCAGCGCAGCC-3'